The following is an entry in ClinVar:

ClinVar aggregate classification (germline): Uncertain significance (1 of 4 stars; one submission).

gnomAD v4.1: 1 of 1,613,764 alleles (0.000062%); highest among the groups gnomAD compares: Non-Finnish European, 0.000085%; no homozygotes.

Submission:

Labcorp Genetics (formerly Invitae), Labcorp
Classification: Uncertain significance. Last evaluated: 2024-03-29. Review status: criteria provided, single submitter. Criteria: Invitae Variant Classification Sherloc (09022015). Collection method: clinical testing. Allele origin: germline.
Comment: This sequence change replaces methionine, which is neutral and non-polar, with lysine, which is basic and polar, at codon 958 of the CASZ1 protein (p.Met958Lys). This variant is present in population databases (rs760554418, gnomAD 0.0009%). This variant has not been reported in the literature in individuals affected with CASZ1-related conditions. An algorithm developed to predict the effect of missense changes on protein structure and function (PolyPhen-2) suggests that this variant is likely to be disruptive. In summary, the available evidence is currently insufficient to determine the role of this variant in disease. Therefore, it has been classified as a Variant of Uncertain Significance.

NM_001079843.3(CASZ1):c.2873T>A (p.Met958Lys)

Gene: CASZ1 (castor zinc finger 1; minus strand). Cytogenetic location: 1p36.22.
Variant type: single nucleotide variant.
Coding change: c.2873T>A on transcript NM_001079843.3 (MANE Select); coding-DNA position 2873, T replaced by A.
Protein change: p.Met958Lys; replaces methionine 958 with lysine.
Molecular consequence: missense variant.
Genome position (GRCh38, 1-based): chr1:10,650,699, A>T on the plus strand (T>A on the coding strand, the complement: CASZ1 is on the minus strand). VCF-style: chr1-10650699-A-T. GRCh37 (hg19) VCF-style: chr1-10710756-A-T.
Other names: c.2873T>A, p.Met958Lys (NM_017766.5); short protein forms M958K.
Identifiers: ClinVar variation 3618388 (VCV003618388.2).